The following is an entry in ClinVar:

NM_000057.4(BLM):c.623dup (p.Leu208fs)

Gene: BLM (BLM RecQ like helicase; plus strand). Cytogenetic location: 15q26.1.
Variant type: Duplication.
Coding change: c.623dup on transcript NM_000057.4 (MANE Select); coding-DNA position 623, one base duplicated (T; older notation c.623dupT).
Protein change: p.Leu208fs; shifts the reading frame from leucine 208.
Molecular consequence: frameshift variant. On other transcripts: 5 prime UTR variant (1).
Genome position (GRCh38, 1-based): chr15:90,749,891, T duplicated; the last of 3 consecutive T bases (chr15:90,749,889-90,749,891); duplicating any one gives the same sequence. VCF-style (leftmost placement, unchanged base first): chr15-90749888-A-AT. GRCh37 (hg19) VCF-style: chr15-91293118-A-AT.
Other names: c.623dup, p.Leu208fs (NM_001287246.2, NM_001287247.2); c.-669dup (NM_001287248.2); short protein forms L208fs.
Identifiers: ClinVar variation 2837132 (VCV002837132.3), dbSNP rs2151147765, ClinGen allele CA2739269754.
Genomic context (GRCh38, chr15:90,749,888, plus strand): 5'-AAAAGGGTAAGAGAAACTTTTTTAAAGCACAGCTTTATACAACAAACACAGTAAAGACTG[A>AT]TTTGCCTCCACCCTCCTCTGAAAGCGAGCAAATAGATTTGACTGAGGAACAGAAGGATGA-3'

ClinVar aggregate classification (germline): Pathogenic (1 of 4 stars; one submission).

Conditions:
Bloom syndrome (BLM). Also called: Bloom-Torre-Machacek syndrome. Identifiers: Orphanet 125, MedGen C0005859, MONDO:0008876, OMIM 210900.

Submission:

Labcorp Genetics (formerly Invitae), Labcorp
Classification: Pathogenic for Bloom syndrome. Last evaluated: 2023-03-04. Review status: criteria provided, single submitter. Criteria: Invitae Variant Classification Sherloc (09022015). Collection method: clinical testing. Allele origin: germline.
Comment: This sequence change creates a premature translational stop signal (p.Leu208Phefs*7) in the BLM gene. It is expected to result in an absent or disrupted protein product. Loss-of-function variants in BLM are known to be pathogenic (PMID: 17407155). This variant is not present in population databases (gnomAD no frequency). This variant has not been reported in the literature in individuals affected with BLM-related conditions. Algorithms developed to predict the effect of sequence changes on RNA splicing suggest that this variant may create or strengthen a splice site. For these reasons, this variant has been classified as Pathogenic.

Literature cited by the submitters: PubMed 17407155.